The following is an entry in ClinVar:

NM_001033855.3(DCLRE1C):c.1795A>G (p.Lys599Glu)

Gene: DCLRE1C (DNA cross-link repair 1C; minus strand). Cytogenetic location: 10p13.
Variant type: single nucleotide variant.
Coding change: c.1795A>G on transcript NM_001033855.3 (MANE Select); coding-DNA position 1795, A replaced by G.
Protein change: p.Lys599Glu; replaces lysine 599 with glutamic acid.
Molecular consequence: missense variant. On other transcripts: non-coding transcript variant (3), intron variant (3).
Genome position (GRCh38, 1-based): chr10:14,908,692, T>C on the plus strand (A>G on the coding strand, the complement: DCLRE1C is on the minus strand). VCF-style: chr10-14908692-T-C. GRCh37 (hg19) VCF-style: chr10-14950691-T-C.
Other names: c.1435A>G, p.Lys479Glu (NM_001033857.3, NM_001033858.3, NM_001289077.2 and 1 more transcripts); c.1450A>G, p.Lys484Glu (NM_001289076.2, NM_001289078.2, NM_022487.4); c.1437+13A>G (NM_001350966.2); c.1782+13A>G (NM_001350965.2); c.1422+13A>G (NM_001350967.2); short protein forms K599E, K484E, K479E.
Identifiers: ClinVar variation 536366 (VCV000536366.6), dbSNP rs760292491, ClinGen allele CA5416406.

ClinVar aggregate classification (germline): Uncertain significance (1 of 4 stars; one submission).

Conditions:
Severe combined immunodeficiency due to DCLRE1C deficiency (RS-SCID). Also called: SCID, AUTOSOMAL RECESSIVE, T CELL-NEGATIVE, B CELL-NEGATIVE, NK CELL-POSITIVE, WITH SENSITIVITY TO IONIZING RADIATION. Identifiers: Orphanet 275, MedGen C1865371, MONDO:0011225, OMIM 602450.

Allele frequency attached by ClinVar (database versions not stated): gnomAD exomes 0.00001 and below 0.00001; ExAC 0.00002.
gnomAD v4.1: 7 of 1,614,234 alleles (0.00043%); highest among the groups gnomAD compares: Non-Finnish European, 0.00059%; no homozygotes.

Submission:

Labcorp Genetics (formerly Invitae), Labcorp
Classification: Uncertain significance for Athabaskan severe combined immunodeficiency. Last evaluated: 2021-09-02. Review status: criteria provided, single submitter. Criteria: Invitae Variant Classification Sherloc (09022015). Collection method: clinical testing. Allele origin: germline.
Comment: This sequence change replaces lysine with glutamic acid at codon 599 of the DCLRE1C protein (p.Lys599Glu). The lysine residue is weakly conserved and there is a small physicochemical difference between lysine and glutamic acid. This variant is present in population databases (rs760292491, ExAC 0.003%). This variant has not been reported in the literature in individuals affected with DCLRE1C-related conditions. Algorithms developed to predict the effect of missense changes on protein structure and function (SIFT, PolyPhen-2, Align-GVGD) all suggest that this variant is likely to be tolerated. Algorithms developed to predict the effect of sequence changes on RNA splicing suggest that this variant may create or strengthen a splice site. In summary, the available evidence is currently insufficient to determine the role of this variant in disease. Therefore, it has been classified as a Variant of Uncertain Significance.